The following is an entry in ClinVar:

ClinVar aggregate classification (germline): Uncertain significance. Review status: criteria provided, multiple submitters, no conflicts (2 of 4 stars). 3 submissions from 3 submitters: Uncertain significance (3). Last evaluated 2022-03-26.

Conditions:
Cardiovascular phenotype. Identifiers: MedGen CN230736.
Dilated cardiomyopathy 1G (CMD1G). Identifiers: Orphanet 154, MedGen C1858763, MONDO:0011400, OMIM 604145.
Autosomal recessive limb-girdle muscular dystrophy type 2J (LGMDR10). Also called: MUSCULAR DYSTROPHY, LIMB-GIRDLE, AUTOSOMAL RECESSIVE 10; Limb-girdle muscular dystrophy, type 2J. Identifiers: Orphanet 140922, MedGen C1837342, MONDO:0012127, OMIM 608807.

Submissions (3):

Labcorp Genetics (formerly Invitae), Labcorp
Classification: Uncertain significance for Dilated cardiomyopathy 1G; Autosomal recessive limb-girdle muscular dystrophy type 2J. Last evaluated: 2022-03-26. Review status: criteria provided, single submitter. Criteria: Invitae Variant Classification Sherloc (09022015). Collection method: clinical testing. Allele origin: germline.
Comment: This variant is located in the M band of TTN (PMID: 25589632). Variants in this region may be relevant for neuromuscular disorders, but have not been definitively shown to cause cardiomyopathy (PMID: 23975875). In summary, the available evidence is currently insufficient to determine the role of this variant in disease. Therefore, it has been classified as a Variant of Uncertain Significance. Experimental studies and prediction algorithms are not available or were not evaluated, and the functional significance of this variant is currently unknown. ClinVar contains an entry for this variant (Variation ID: 995328). This variant has not been reported in the literature in individuals affected with TTN-related conditions. This variant is not present in population databases (gnomAD no frequency). This sequence change replaces aspartic acid, which is acidic and polar, with valine, which is neutral and non-polar, at codon 33856 of the TTN protein (p.Asp33856Val).

Athena Diagnostics
Classification: Uncertain significance. Last evaluated: 2020-01-29. Review status: criteria provided, single submitter. Criteria: Athena Diagnostics Criteria. Collection method: clinical testing. Allele origin: unknown.

Ambry Genetics
Classification: Uncertain significance for Cardiovascular phenotype. Last evaluated: 2020-01-13. Review status: criteria provided, single submitter. Criteria: Ambry Variant Classification Scheme 2023. Collection method: clinical testing. Allele origin: germline.
Comment: The p.D24791V variant (also known as c.74372A>T), located in coding exon 185 of the TTN gene, results from an A to T substitution at nucleotide position 74372. The aspartic acid at codon 24791 is replaced by valine, an amino acid with highly dissimilar properties. This amino acid position is highly conserved in available vertebrate species. In addition, the in silico prediction for this alteration is inconclusive. Since supporting evidence is limited at this time, the clinical significance of this alteration remains unclear.

Literature cited by the submitters: PubMed 25589632 (cited by Labcorp Genetics (formerly Invitae), Labcorp); PubMed 23975875 (cited by Labcorp Genetics (formerly Invitae), Labcorp).

NM_001267550.2(TTN):c.101567A>T (p.Asp33856Val)

Genes: TTN-AS1 (TTN antisense RNA 1; plus strand), TTN (titin; minus strand). Cytogenetic location: 2q31.2.
Variant type: single nucleotide variant.
Coding change: c.101567A>T on transcript NM_001267550.2 (MANE Select); coding-DNA position 101567, A replaced by T.
Protein change: p.Asp33856Val; replaces aspartic acid 33856 with valine.
Molecular consequence: missense variant.
Genome position (GRCh38, 1-based): chr2:178,535,048, T>A on the plus strand (A>T on the coding strand, the complement: TTN is on the minus strand). VCF-style: chr2-178535048-T-A. GRCh37 (hg19) VCF-style: chr2-179399775-T-A.
Other names: c.96644A>T, p.Asp32215Val (NM_001256850.1); c.74372A>T, p.Asp24791Val (NM_003319.4); c.93863A>T, p.Asp31288Val (NM_133378.4); c.74747A>T, p.Asp24916Val (NM_133432.3); c.74948A>T, p.Asp24983Val (NM_133437.4); short protein forms D24791V, D24916V, D24983V, D31288V, D32215V, D33856V.
Identifiers: ClinVar variation 995328 (VCV000995328.8), dbSNP rs1690813389, ClinGen allele CA349420412.